The following is an entry in ClinVar:

NM_001110556.2(FLNA):c.6409G>A (p.Glu2137Lys)

Gene: FLNA (filamin A; minus strand). Cytogenetic location: Xq28.
Variant type: single nucleotide variant.
Coding change: c.6409G>A on transcript NM_001110556.2 (MANE Select); coding-DNA position 6409, G replaced by A.
Protein change: p.Glu2137Lys; replaces glutamic acid 2137 with lysine.
Molecular consequence: missense variant.
Genome position (GRCh38, 1-based): chrX:154,352,646, C>T on the plus strand (G>A on the coding strand, the complement: FLNA is on the minus strand). VCF-style: chrX-154352646-C-T. GRCh37 (hg19) VCF-style: chrX-153581014-C-T.
Other names: c.6385G>A, p.Glu2129Lys (NM_001456.4); short protein forms E2129K, E2137K.
Identifiers: ClinVar variation 968150 (VCV000968150.21), dbSNP rs782142395, ClinGen allele CA10560093.

ClinVar aggregate classification (germline): Conflicting classifications of pathogenicity. Review status: criteria provided, conflicting classifications (1 of 4 stars). 4 submissions from 4 submitters: Uncertain significance (2); Benign (1); Likely benign (1). Last evaluated 2025-10-26.

Conditions:
Oto-palato-digital syndrome, type II (OPD2). Also called: Otopalatodigital Syndrome, Type II; FACIOPALATOOSSEOUS SYNDROME; OPD II SYNDROME; Otopalatodigital Syndrome Type 2 (FLNA-OPD2). Identifiers: Orphanet 669, Orphanet 90652, MedGen C1844696, MONDO:0010571, OMIM 304120.
Frontometaphyseal dysplasia (FMD1). Identifiers: Orphanet 1826, MedGen C0265293, MONDO:0015942.
Heterotopia, periventricular, X-linked dominant (PVNH1). Also called: X-linked periventricular heterotopia; PERIVENTRICULAR NODULAR HETEROTOPIA 4; HETEROTOPIA, PERIVENTRICULAR, 1; PERIVENTRICULAR NODULAR HETEROTOPIA 1. Identifiers: Orphanet 2149, Orphanet 82004, MedGen C1848213, MONDO:0010233, OMIM 300049.
Melnick-Needles syndrome (MNS). Also called: MELNICK-NEEDLES OSTEODYSPLASTY; OSTEODYSPLASTY OF MELNICK AND NEEDLES; Melnick-Needles Syndrome (FLNA-MNS). Identifiers: Orphanet 2484, MedGen C0025237, MONDO:0010650, OMIM 309350.
Familial thoracic aortic aneurysm and aortic dissection (TAAD). Also called: Thoracic aortic aneurysms and dissections. Identifiers: Orphanet 91387, MedGen C4707243, MONDO:0019625.

Allele frequency attached by ClinVar (database versions not stated): TOPMed 0.00002.
gnomAD v4.1: 12 of 1,210,713 alleles (0.00099%); highest among the groups gnomAD compares: African/African-American, 0.0035%; no homozygotes.

Submissions (4):

Labcorp Genetics (formerly Invitae), Labcorp
Classification: Benign for Oto-palato-digital syndrome, type II; Heterotopia, periventricular, X-linked dominant; Frontometaphyseal dysplasia; Melnick-Needles syndrome. Last evaluated: 2025-10-26. Review status: criteria provided, single submitter. Criteria: Invitae Variant Classification Sherloc (09022015). Collection method: clinical testing. Allele origin: germline.

GeneDx
Classification: Uncertain significance. Last evaluated: 2025-07-21. Review status: criteria provided, single submitter. Criteria: GeneDx Variant Classification Process June 2021. Collection method: clinical testing. Allele origin: germline.
Comment: Not observed at significant frequency in large population cohorts (gnomAD); In silico analysis supports that this missense variant has a deleterious effect on protein structure/function; Has not been previously published as pathogenic or benign to our knowledge.

CeGaT Center for Human Genetics Tuebingen
Classification: Likely benign. Last evaluated: 2025-06-01. Review status: criteria provided, single submitter. Criteria: CeGaT Center For Human Genetics Tuebingen Variant Classification Criteria Version 2. Collection method: clinical testing. Allele origin: germline. Affected: yes. Observed: 1 variant allele.
Comment: FLNA: BS2

Ambry Genetics
Classification: Uncertain significance for Familial thoracic aortic aneurysm and aortic dissection. Last evaluated: 2025-04-07. Review status: criteria provided, single submitter. Criteria: Ambry Variant Classification Scheme 2023. Collection method: clinical testing. Allele origin: germline.
Comment: The p.E2129K variant (also known as c.6385G>A), located in coding exon 38 of the FLNA gene, results from a G to A substitution at nucleotide position 6385. The glutamic acid at codon 2129 is replaced by lysine, an amino acid with similar properties. Based on data from gnomAD, the A allele has an overall frequency of 0.0006% (1/180987) total alleles studied, with 0 hemizygote(s) observed. The highest observed frequency was 0.0081% (1/12307) of African alleles. This amino acid position is highly conserved in available vertebrate species. In addition, this alteration is predicted to be deleterious by in silico analysis. Based on the available evidence, the clinical significance of this variant remains unclear.